The following is an entry in ClinVar:

NM_001379659.1(ZNF142):c.2341C>T (p.Arg781Cys)

Gene: ZNF142 (zinc finger protein 142; minus strand). Cytogenetic location: 2q35.
Variant type: single nucleotide variant.
Coding change: c.2341C>T on transcript NM_001379659.1 (MANE Select); coding-DNA position 2341, C replaced by T.
Protein change: p.Arg781Cys; replaces arginine 781 with cysteine.
Molecular consequence: missense variant.
Genome position (GRCh38, 1-based): chr2:218,644,775, G>A on the plus strand (C>T on the coding strand, the complement: ZNF142 is on the minus strand). VCF-style: chr2-218644775-G-A. GRCh37 (hg19) VCF-style: chr2-219509498-G-A.
Other names: R581C; c.1252C>T, p.Arg418Cys (NM_001366288.3, NM_001366289.3, NM_001366287.3); c.2341C>T, p.Arg781Cys (NM_001366290.3, NM_001379660.1, NM_001379661.1); c.1741C>T, p.Arg581Cys (NM_001366291.3, NM_001105537.5, NM_001379662.1); c.1741C>T (NM_001105537.2); short protein forms R418C, R781C.
Identifiers: ClinVar variation 2577470 (VCV002577470.2), dbSNP rs1460011826, ClinGen allele CA350600764.

ClinVar aggregate classification (germline): Uncertain significance. Review status: criteria provided, single submitter (1 of 4 stars). 2 submissions from 2 submitters: Uncertain significance (1). 1 of the submissions does not count toward it. Last evaluated 2025-07-11.

Conditions:
Neurodevelopmental disorder with impaired speech and hyperkinetic movements. Identifiers: MedGen C5193088, MONDO:0032741, OMIM 618425.

Allele frequency attached by ClinVar (database versions not stated): gnomAD 0.00001; gnomAD exomes 0.00001; TOPMed 0.00001.

Submissions (2):

GeneDx
Classification: Uncertain significance. Last evaluated: 2025-07-11. Review status: criteria provided, single submitter. Criteria: GeneDx Variant Classification Process June 2021. Collection method: clinical testing. Allele origin: germline. Affected: yes.
Comment: Identified with a second ZNF142 variant in trans in a patient with intellectual disability, global developmental delay, speech impairment, seizures, and hypotonia (PMID: 35618198); In silico analysis supports that this missense variant has a deleterious effect on protein structure/function; This variant is associated with the following publications: (PMID: 35618198)

OMIM
Classification: Pathogenic for NEURODEVELOPMENTAL DISORDER WITH IMPAIRED SPEECH AND HYPERKINETIC MOVEMENTS. Last evaluated: 2023-08-25. Review status: no assertion criteria provided. Collection method: literature only. Allele origin: germline. Not counted in ClinVar's aggregate classification.

Literature cited by the submitters: PubMed 35618198 (cited by OMIM).